The following is an entry in ClinVar:

NM_018480.7(TMEM126B):c.15G>T (p.Gly5=)

Gene: TMEM126B (transmembrane protein 126B; plus strand). Cytogenetic location: 11q14.1.
Variant type: single nucleotide variant.
Coding change: c.15G>T on transcript NM_018480.7 (MANE Select); coding-DNA position 15, G replaced by T.
Protein change: p.Gly5=; no amino-acid change (glycine 5 retained).
Molecular consequence: synonymous variant. On other transcripts: 5 prime UTR variant (6), non-coding transcript variant (2).
Genome position (GRCh38, 1-based): chr11:85,628,622, G>T. VCF-style: chr11-85628622-G-T. GRCh37 (hg19) VCF-style: chr11-85339666-G-T.
Other names: p.Gly5=; c.15G>T (NM_018480.5); c.-177G>T (NM_001193537.3, NM_001350395.2); c.-248G>T (NM_001193538.3, NM_001350396.2); c.-148G>T (NM_001256546.2); c.-2G>T (NM_001256547.2); c.15G>T, p.Gly5= (NM_001350393.1, NM_001350394.2).
Identifiers: ClinVar variation 2168674 (VCV002168674.6), dbSNP rs369963998, ClinGen allele CA6212330.

ClinVar aggregate classification (germline): Likely benign. Review status: criteria provided, multiple submitters, no conflicts (2 of 4 stars). 3 submissions from 3 submitters: Likely benign (3). Last evaluated 2025-06-12.

Allele frequency attached by ClinVar (database versions not stated): ExAC 0.00023; 1000 Genomes Project 0.00040; 1000 Genomes Project 30x 0.00047; TOPMed 0.00075.
gnomAD v4.1: 197 of 1,536,138 alleles (0.013%); highest among the groups gnomAD compares: African/African-American, 0.22%; no homozygotes.

Submissions (3):

Labcorp Genetics (formerly Invitae), Labcorp
Classification: Likely benign. Last evaluated: 2025-06-12. Review status: criteria provided, single submitter. Criteria: Invitae Variant Classification Sherloc (09022015). Collection method: clinical testing. Allele origin: germline.

Mayo Clinic Laboratories, Mayo Clinic
Classification: Likely benign. Last evaluated: 2025-05-20. Review status: criteria provided, single submitter. Criteria: ACMG Guidelines, 2015. Collection method: clinical testing. Allele origin: germline. Observed: 1 variant allele.
Comment: BP4, BP7

Blueprint Genetics
Classification: Likely benign. Last evaluated: 2022-07-14. Review status: criteria provided, single submitter. Criteria: ACMG Guidelines, 2015. Collection method: clinical testing. Allele origin: germline.